The following is an entry in ClinVar:

NM_002693.3(POLG):c.2363_2374del (p.Gly788_Leu792delinsVal)

Gene: POLG (DNA polymerase gamma, catalytic subunit; minus strand). Cytogenetic location: 15q26.1.
Variant type: Deletion.
Coding change: c.2363_2374del on transcript NM_002693.3 (MANE Select); coding-DNA positions 2363 to 2374, 12 bases deleted (GGCCCCGTGCTC).
Protein change: p.Gly788_Leu792delinsVal.
Molecular consequence: inframe indel.
Genome position (GRCh38, 1-based): chr15:89,322,794-89,322,805, GAGCACGGGGCC deleted on the plus strand (GGCCCCGTGCTC on the coding strand, the reverse complement: POLG is on the minus strand). VCF-style (leftmost placement, unchanged base first): chr15-89322793-AGAGCACGGGGCC-A. GRCh37 (hg19) VCF-style: chr15-89866024-AGAGCACGGGGCC-A.
Other names: c.2363_2374del, p.Gly788_Leu792delinsVal (NM_001126131.2).
Identifiers: ClinVar variation 3027430 (VCV003027430.1), dbSNP rs2509226768, ClinGen allele CA2740096759.

ClinVar aggregate classification (germline): Uncertain significance (1 of 4 stars; one submission).

Conditions:
Progressive external ophthalmoplegia with mitochondrial DNA deletions, autosomal dominant 1 (PEOA1). Also called: Autosomal Dominant Progressive External Ophthalmoplegia (adPEO); PROGRESSIVE EXTERNAL OPHTHALMOPLEGIA, AUTOSOMAL DOMINANT 1. Identifiers: MedGen C1834846, MONDO:0024528, OMIM 157640.

Submission:

Human Genetics Bochum, Ruhr University Bochum
Classification: Uncertain significance for Progressive external ophthalmoplegia with mitochondrial DNA deletions, autosomal dominant 1. Last evaluated: 2023-04-24. Review status: criteria provided, single submitter. Criteria: ACMG Guidelines, 2015. Collection method: clinical testing. Allele origin: germline. Affected: yes.
Comment: ACMG criteria used to clasify this variant: PM4, PM2_SUP